The following is an entry in ClinVar:

ClinVar aggregate classification (germline): Pathogenic (1 of 4 stars; one submission).

Submission:

GeneDx
Classification: Pathogenic. Last evaluated: 2026-01-15. Review status: criteria provided, single submitter. Criteria: GeneDx Variant Classification Process June 2021. Collection method: clinical testing. Allele origin: germline.
Comment: Canonical splice site variant predicted to result in a null allele in a gene for which loss of function is a known mechanism of disease; Not observed at significant frequency in large population cohorts (gnomAD); Has not been previously published as pathogenic or benign to our knowledge

NM_000116.5(TAFAZZIN):c.647-1G>A

Gene: TAFAZZIN (tafazzin, phospholipid-lysophospholipid transacylase; plus strand). Cytogenetic location: Xq28.
Variant type: single nucleotide variant.
Coding change: c.647-1G>A on transcript NM_000116.5 (MANE Select); the canonical splice acceptor site of the intron before coding-DNA position 647, G replaced by A.
Molecular consequence: splice acceptor variant.
Genome position (GRCh38, 1-based): chrX:154,420,211, G>A. VCF-style: chrX-154420211-G-A. GRCh37 (hg19) VCF-style: chrX-153648550-G-A.
Other names: c.701-1G>A (NM_001440856.1); c.659-1G>A (NM_001303465.2); c.611-1G>A (NM_001410698.1); c.569-1G>A (NM_001440857.1); c.605-1G>A (NM_181312.4); c.557-1G>A (NM_181311.4); c.515-1G>A (NM_181313.4); c.434-1G>A (NM_001440858.1).
Identifiers: ClinVar variation 4975270 (VCV004975270.1).